The following is an entry in ClinVar:

NM_020458.4(TTC7A):c.1802+95A>G

Gene: TTC7A (tetratricopeptide repeat domain 7A; plus strand). Cytogenetic location: 2p21.
Variant type: single nucleotide variant.
Coding change: c.1802+95A>G on transcript NM_020458.4 (MANE Select); 95 bases into the intron after coding-DNA position 1802, A replaced by G.
Molecular consequence: intron variant.
Genome position (GRCh38, 1-based): chr2:47,029,479, A>G. VCF-style: chr2-47029479-A-G. GRCh37 (hg19) VCF-style: chr2-47256618-A-G.
Other names: c.1700+95A>G (NM_001288953.2); c.1802+95A>G (NM_001288951.2); c.740+95A>G (NM_001288955.2).
Identifiers: ClinVar variation 1273744 (VCV001273744.4), dbSNP rs7575628, ClinGen allele CA11114531.

ClinVar aggregate classification (germline): Benign. Review status: criteria provided, multiple submitters, no conflicts (2 of 4 stars). 3 submissions from 3 submitters: Benign (3). Last evaluated 2024-01-24.

Allele frequency attached by ClinVar (database versions not stated): 1000 Genomes Project 30x 0.38476; 1000 Genomes Project 0.38718; TOPMed 0.34226.
gnomAD v4.1: 367,360 of 1,404,030 alleles (26%); highest among the groups gnomAD compares: East Asian, 59%; 53,416 homozygotes.

Submissions (3):

Unidad de Genómica Garrahan, Hospital de Pediatría Garrahan
Classification: Benign. Last evaluated: 2024-01-24. Review status: criteria provided, single submitter. Criteria: ACMG Guidelines, 2015. Collection method: clinical testing. Allele origin: germline. Affected: no. Observed: 33 variant alleles.
Comment: This variant is classified as Benign based on local population frequency. This variant was detected in 35% of patients studied by a panel of primary immunodeficiencies. Number of patients: 33. Only high quality variants are reported.

GeneDx
Classification: Benign. Last evaluated: 2018-07-09. Review status: criteria provided, single submitter. Criteria: GeneDx Variant Classification Process June 2021. Collection method: clinical testing. Allele origin: germline. Affected: yes.

Breakthrough Genomics
Classification: Benign. Review status: criteria provided, single submitter. Criteria: ACMG Guidelines, 2015. Collection method: not provided. Allele origin: germline. Inheritance: Autosomal recessive inheritance. Affected: yes.